The following is an entry in ClinVar:

ClinVar aggregate classification (germline): Pathogenic (1 of 4 stars; one submission).

Conditions:
Polycystic kidney disease, adult type (PKD1). Also called: Polycystic Kidney, Autosomal Dominant; POLYCYSTIC KIDNEY DISEASE 1 WITH OR WITHOUT POLYCYSTIC LIVER DISEASE; POLYCYSTIC KIDNEY DISEASE, ADULT, TYPE I; Polycystic Kidney Disease 1, Autosomal Dominant; Polycystic kidney disease 1; Polycystic kidney disease 1, severe. Identifiers: MedGen C3149841, MONDO:0008263, OMIM 173900.

Submission:

Juno Genomics, Hangzhou Juno Genomics, Inc
Classification: Pathogenic for Polycystic kidney disease, adult type. Review status: criteria provided, single submitter. Criteria: ACMG Guidelines, 2015. Collection method: clinical testing. Allele origin: germline. Affected: yes.
Comment: Absent from controls (or at extremely low frequency if recessive) in Genome Aggregation Database, Exome Sequencing Project, 1000 Genomes Project, or Exome Aggregation Consortium.;Null variant in a gene where loss of function (LOF) is a known mechanism of disease.;Patient's phenotype or family history is highly specific for a disease with a single genetic etiology.

NM_001009944.3(PKD1):c.2732_2753dup (p.Arg919fs)

Gene: PKD1 (polycystin 1, transient receptor potential channel interacting; minus strand). Cytogenetic location: 16p13.3.
Variant type: Duplication.
Coding change: c.2732_2753dup on transcript NM_001009944.3 (MANE Select); coding-DNA positions 2732 to 2753, 22 bases duplicated (TGGTGGTGGAAAACAGCGCCAG).
Protein change: p.Arg919fs; shifts the reading frame from arginine 919.
Molecular consequence: frameshift variant.
Genome position (GRCh38, 1-based): chr16:2,114,270-2,114,291, CTGGCGCTGTTTTCCACCACCA duplicated on the plus strand (TGGTGGTGGAAAACAGCGCCAG on the coding strand, the reverse complement: PKD1 is on the minus strand); duplicating any 22 consecutive bases within chr16:2,114,270-2,114,292 gives the same sequence; the c. name uses the placement nearest the transcript's 3' end. VCF-style (leftmost placement, unchanged base first): chr16-2114269-G-GCTGGCGCTGTTTTCCACCACCA. GRCh37 (hg19) VCF-style: chr16-2164270-G-GCTGGCGCTGTTTTCCACCACCA.
Other names: c.2732_2753dup, p.Arg919fs (NM_000296.4); short protein forms R919fs.
Identifiers: ClinVar variation 3335877 (VCV003335877.2).